The following is an entry in ClinVar:

ClinVar aggregate classification (germline): Uncertain significance (1 of 4 stars; one submission).

Conditions:
CHARGE syndrome (CHARGE). Also called: Hittner Hirsch Kreh syndrome; CHARGE ASSOCIATION--COLOBOMA, HEART ANOMALY, CHOANAL ATRESIA, RETARDATION, GENITAL AND EAR ANOMALIES; Coloboma, heart anomaly, choanal atresia, retardation, genital and ear anomalies; CHARGE association; Hall-Hittner syndrome. Identifiers: Orphanet 138, MedGen C0265354, MONDO:0008965.

Submission:

Labcorp Genetics (formerly Invitae), Labcorp
Classification: Uncertain significance for CHARGE syndrome. Last evaluated: 2025-11-24. Review status: criteria provided, single submitter. Criteria: Invitae Variant Classification Sherloc (09022015). Collection method: clinical testing. Allele origin: germline.
Comment: This sequence change replaces glutamine, which is neutral and polar, with histidine, which is basic and polar, at codon 1708 of the CHD7 protein (p.Gln1708His). This variant is not present in population databases (gnomAD no frequency). This variant has not been reported in the literature in individuals affected with CHD7-related conditions. ClinVar contains an entry for this variant (Variation ID: 2836523). Invitae Evidence Modeling of protein sequence and biophysical properties (such as structural, functional, and spatial information, amino acid conservation, physicochemical variation, residue mobility, and thermodynamic stability) indicates that this missense variant is not expected to disrupt CHD7 protein function with a negative predictive value of 95%. In summary, the available evidence is currently insufficient to determine the role of this variant in disease. Therefore, it has been classified as a Variant of Uncertain Significance.

NM_017780.4(CHD7):c.5124G>C (p.Gln1708His)

Gene: CHD7 (chromodomain helicase DNA binding protein 7; plus strand). Cytogenetic location: 8q12.2.
Variant type: single nucleotide variant.
Coding change: c.5124G>C on transcript NM_017780.4 (MANE Select); coding-DNA position 5124, G replaced by C.
Protein change: p.Gln1708His; replaces glutamine 1708 with histidine.
Molecular consequence: missense variant. On other transcripts: intron variant (1).
Genome position (GRCh38, 1-based): chr8:60,845,323, G>C. VCF-style: chr8-60845323-G-C. GRCh37 (hg19) VCF-style: chr8-61757882-G-C.
Other names: c.1717-16906G>C (NM_001316690.1); short protein forms Q1708H.
Identifiers: ClinVar variation 2836523 (VCV002836523.3), dbSNP rs2487975164, ClinGen allele CA371320465.